The following is an entry in ClinVar:

NM_001321571.2(CAMK2D):c.628G>A (p.Gly210Arg)

Gene: CAMK2D (calcium/calmodulin dependent protein kinase II delta; minus strand). Cytogenetic location: 4q26.
Variant type: single nucleotide variant.
Coding change: c.628G>A on transcript NM_001321571.2 (MANE Select); coding-DNA position 628, G replaced by A.
Protein change: p.Gly210Arg; replaces glycine 210 with arginine.
Molecular consequence: missense variant.
Genome position (GRCh38, 1-based): chr4:113,517,631, C>T on the plus strand (G>A on the coding strand, the complement: CAMK2D is on the minus strand). VCF-style: chr4-113517631-C-T. GRCh37 (hg19) VCF-style: chr4-114438787-C-T.
Other names: c.628G>A, p.Gly210Arg (NM_001221.4, NM_001321566.2, NM_001321567.2 and 33 more transcripts); c.40G>A, p.Gly14Arg (NM_001321578.2, NM_001321585.2, NM_001399865.1); c.511G>A, p.Gly171Arg (NM_001321581.2, NM_001399859.1, NM_001399860.1 and 2 more transcripts); c.241G>A, p.Gly81Arg (NM_001399863.1, NM_001399864.1); short protein forms G14R, G171R, G210R, G81R.
Identifiers: ClinVar variation 2442394 (VCV002442394.4), dbSNP rs867010473, ClinGen allele CA104505561.
Genomic context (GRCh38, chr4:113,517,631, plus strand): 5'-CTCCAGCCTTGATCTGCTGATAGAGTCTGTGTTGGTCTTCATCCCAGAAGGGTGGATACC[C>T]CACAAGTAGAATATAGAGAATGACACCTGGAGGAGAATATAATGTTAACACAATTTAAGT-3'
Protein context (NP_001308500.1, residues 200-220): CGVILYILLV[Gly210Arg]YPPFWDEDQH

ClinVar aggregate classification (germline): Pathogenic (1 of 4 stars; one submission).

Submission:

Laboratory of Molecular Genetics (Pr. Bezieau's lab), CHU de Nantes
Classification: Pathogenic. Last evaluated: 2023-02-08. Review status: criteria provided, single submitter. Criteria: ACMG Guidelines, 2015. Collection method: research, in vivo, in vitro. Allele origin: de novo, not applicable. Inheritance: Sporadic. Affected: yes. Observed: 1 heterozygote. Functional consequence: gain_of_function_variant.
Comment: The p.(Gly210Arg) variant in CAMK2D is de novo, absent from large population studies and predicted pathogenic by most bioinformatics programs (CADD, REVEL, Metadome...). Besides, it affects the catalytic domain of CAMK2D, and is close to other variants identified in individuals with similar phenotype, and classified pathogenic. Additionally, in vitro functional studies indicate that the p.(Gly210Arg) variant increases phosphotransferase activity of CAMK2, and in vivo functional studies in mouse brain embryo showed that it causes severe migration deficit. In summary, the p.(Gly210Arg) variant meets our criteria to be classified as pathogenic.